The following is an entry in ClinVar:

ClinVar aggregate classification (germline): Uncertain significance. Review status: criteria provided, multiple submitters, no conflicts (2 of 4 stars). 2 submissions from 2 submitters: Uncertain significance (2). Last evaluated 2025-10-03.

Conditions:
Breast-ovarian cancer, familial, susceptibility to, 4. Identifiers: Orphanet 145, MedGen C3280345, MONDO:0013669, OMIM 614291.
Hereditary cancer-predisposing syndrome. Also called: Neoplastic Syndromes, Hereditary; Hereditary Cancer Syndrome; Hereditary neoplastic syndrome; Tumor predisposition. Identifiers: Orphanet 140162, MedGen C0027672, MeSH D009386, MONDO:0015356.

Submissions (2):

Ambry Genetics
Classification: Uncertain significance for Hereditary cancer-predisposing syndrome. Last evaluated: 2025-10-03. Review status: criteria provided, single submitter. Criteria: Ambry Variant Classification Scheme 2023. Collection method: clinical testing. Allele origin: germline.
Comment: The p.L89V variant (also known as c.265C>G), located in coding exon 4 of the RAD51D gene, results from a C to G substitution at nucleotide position 265. The leucine at codon 89 is replaced by valine, an amino acid with highly similar properties. This amino acid position is conserved. In addition, this alteration is predicted to be deleterious by in silico analysis. Based on the available evidence, the clinical significance of this variant remains unclear.

Labcorp Genetics (formerly Invitae), Labcorp
Classification: Uncertain significance for Breast-ovarian cancer, familial, susceptibility to, 4. Last evaluated: 2022-03-14. Review status: criteria provided, single submitter. Criteria: Invitae Variant Classification Sherloc (09022015). Collection method: clinical testing. Allele origin: germline.
Comment: In summary, the available evidence is currently insufficient to determine the role of this variant in disease. Therefore, it has been classified as a Variant of Uncertain Significance. Algorithms developed to predict the effect of missense changes on protein structure and function (SIFT, PolyPhen-2, Align-GVGD) all suggest that this variant is likely to be disruptive. This variant has not been reported in the literature in individuals affected with RAD51D-related conditions. This variant is not present in population databases (gnomAD no frequency). This sequence change replaces leucine, which is neutral and non-polar, with valine, which is neutral and non-polar, at codon 89 of the RAD51D protein (p.Leu89Val).

NM_002878.4(RAD51D):c.265C>G (p.Leu89Val)

Genes: RAD51L3-RFFL (RAD51L3-RFFL readthrough; minus strand), RAD51D (RAD51 paralog D; minus strand). Cytogenetic location: 17q12.
Variant type: single nucleotide variant.
Coding change: c.265C>G on transcript NM_002878.4 (MANE Select); coding-DNA position 265, C replaced by G.
Protein change: p.Leu89Val; replaces leucine 89 with valine.
Molecular consequence: missense variant. On other transcripts: non-coding transcript variant (2), intron variant (1).
Genome position (GRCh38, 1-based): chr17:35,107,446, G>C on the plus strand (C>G on the coding strand, the complement: RAD51D is on the minus strand). VCF-style: chr17-35107446-G-C. GRCh37 (hg19) VCF-style: chr17-33434465-G-C.
Other names: c.325C>G, p.Leu109Val (NM_001142571.2); c.145-965C>G (NM_133629.3); short protein forms L89V, L109V.
Identifiers: ClinVar variation 2109891 (VCV002109891.5), dbSNP rs2142437449, ClinGen allele CA399090034.
Genomic context (GRCh38, chr17:35,107,446, plus strand): 5'-GGCCTCCTACAATTTCAGTCACTTCTCCAGTATAGAGACCAGCATCAAGCAGTTTATCAA[G>C]ACTGATGGCAGAAGAGAAGAAAATCAACACAAGAGGTTAGGAGGAAGACAGGGGAAAAGG-3'
Protein context (NP_002869.3, residues 79-99): TAILSTGIGS[Leu89Val]DKLLDAGLYT